The following is an entry in ClinVar:

NM_005253.4(FOSL2):c.795C>T (p.Ile265=)

Gene: FOSL2 (FOS like 2, AP-1 transcription factor subunit; plus strand). Cytogenetic location: 2p23.2.
Variant type: single nucleotide variant.
Coding change: c.795C>T on transcript NM_005253.4 (MANE Select); coding-DNA position 795, C replaced by T.
Protein change: p.Ile265=; no amino-acid change (isoleucine 265 retained).
Molecular consequence: synonymous variant.
Genome position (GRCh38, 1-based): chr2:28,412,262, C>T. VCF-style: chr2-28412262-C-T. GRCh37 (hg19) VCF-style: chr2-28635129-C-T.
Identifiers: ClinVar variation 5038589 (VCV005038589.1).

ClinVar aggregate classification (germline): Likely benign (1 of 4 stars; one submission).

gnomAD v4.1: 1,458 of 1,614,078 alleles (0.09%); highest among the groups gnomAD compares: Non-Finnish European, 0.11%; 1 homozygote.

Submission:

CeGaT Center for Human Genetics Tuebingen
Classification: Likely benign. Last evaluated: 2026-07-01. Review status: criteria provided, single submitter. Criteria: CeGaT Center For Human Genetics Tuebingen Variant Classification Criteria Version 2. Collection method: clinical testing. Allele origin: germline. Affected: yes. Observed: 1 variant allele.
Comment: FOSL2: BP4, BP7